The following is an entry in ClinVar:

NM_001184.4(ATR):c.1454C>T (p.Pro485Leu)

Gene: ATR (ATR serine/threonine kinase; minus strand). Cytogenetic location: 3q23.
Variant type: single nucleotide variant.
Coding change: c.1454C>T on transcript NM_001184.4 (MANE Select); coding-DNA position 1454, C replaced by T.
Protein change: p.Pro485Leu; replaces proline 485 with leucine.
Molecular consequence: missense variant. On other transcripts: intron variant (1).
Genome position (GRCh38, 1-based): chr3:142,560,350, G>A on the plus strand (C>T on the coding strand, the complement: ATR is on the minus strand). VCF-style: chr3-142560350-G-A. GRCh37 (hg19) VCF-style: chr3-142279192-G-A.
Other names: c.1349+893C>T (NM_001354579.2); short protein forms P485L.
Identifiers: ClinVar variation 3462427 (VCV003462427.1).

ClinVar aggregate classification (germline): Uncertain significance (1 of 4 stars; one submission).

Conditions:
Inborn genetic diseases. Identifiers: MedGen C0950123, MeSH D030342.

Submission:

Ambry Genetics
Classification: Uncertain significance for Inborn genetic diseases. Last evaluated: 2024-07-11. Review status: criteria provided, single submitter. Criteria: Ambry Variant Classification Scheme 2023. Collection method: clinical testing. Allele origin: germline.
Comment: The p.P485L variant (also known as c.1454C>T), located in coding exon 6 of the ATR gene, results from a C to T substitution at nucleotide position 1454. The proline at codon 485 is replaced by leucine, an amino acid with similar properties. This amino acid position is conserved. In addition, this alteration is predicted to be tolerated by in silico analysis. Based on the available evidence, the clinical significance of this variant remains unclear.